The following is an entry in ClinVar:

ClinVar aggregate classification (germline): Benign. Review status: criteria provided, multiple submitters, no conflicts (2 of 4 stars). 2 submissions from 2 submitters: Benign (2). Last evaluated 2018-06-14.

Allele frequency attached by ClinVar (database versions not stated): 1000 Genomes Project 30x 0.04091; 1000 Genomes Project 0.04133; TOPMed 0.07772; gnomAD 0.08140 and 0.08370; gnomAD exomes 0.10831.
gnomAD v4.1: 141,322 of 1,347,246 alleles (10%); highest among the groups gnomAD compares: Non-Finnish European, 12%; 8,367 homozygotes.

Submissions (2):

GeneDx
Classification: Benign. Last evaluated: 2018-06-14. Review status: criteria provided, single submitter. Criteria: GeneDx Variant Classification (06012015). Collection method: clinical testing. Allele origin: germline. Affected: yes.
Comment: This variant is considered likely benign or benign based on one or more of the following criteria: it is a conservative change, it occurs at a poorly conserved position in the protein, it is predicted to be benign by multiple in silico algorithms, and/or has population frequency not consistent with disease.

Breakthrough Genomics
Classification: Benign. Review status: criteria provided, single submitter. Criteria: ACMG Guidelines, 2015. Collection method: not provided. Allele origin: germline. Inheritance: Autosomal recessive inheritance. Affected: yes.

NM_000053.4(ATP7B):c.2866-105G>A

Gene: ATP7B (ATPase copper transporting beta; minus strand). Cytogenetic location: 13q14.3.
Variant type: single nucleotide variant.
Coding change: c.2866-105G>A on transcript NM_000053.4 (MANE Select); 105 bases into the intron before coding-DNA position 2866, G replaced by A.
Molecular consequence: intron variant.
Genome position (GRCh38, 1-based): chr13:51,946,583, C>T on the plus strand (G>A on the coding strand, the complement: ATP7B is on the minus strand). VCF-style: chr13-51946583-C-T. GRCh37 (hg19) VCF-style: chr13-52520719-C-T.
Other names: c.2533-105G>A (NM_001243182.2); c.2245-105G>A (NM_001005918.3); c.2614-105G>A (NM_001330579.2); c.2632-105G>A (NM_001330578.2).
Identifiers: ClinVar variation 676099 (VCV000676099.2), dbSNP rs41292784, ClinGen allele CA13895738.